The following is an entry in ClinVar:

ClinVar aggregate classification (germline): Uncertain significance (1 of 4 stars; one submission).

Conditions:
Fanconi anemia (FA). Also called: Fanconi's anemia. Identifiers: Orphanet 84, MedGen C0015625, MeSH D005199, MONDO:0019391.

Submission:

Labcorp Genetics (formerly Invitae), Labcorp
Classification: Uncertain significance for Fanconi anemia. Last evaluated: 2024-04-29. Review status: criteria provided, single submitter. Criteria: Invitae Variant Classification Sherloc (09022015). Collection method: clinical testing. Allele origin: germline.
Comment: This sequence change replaces alanine, which is neutral and non-polar, with glycine, which is neutral and non-polar, at codon 235 of the SLX4 protein (p.Ala235Gly). This variant is not present in population databases (gnomAD no frequency). This variant has not been reported in the literature in individuals affected with SLX4-related conditions. ClinVar contains an entry for this variant (Variation ID: 839445). An algorithm developed to predict the effect of missense changes on protein structure and function (PolyPhen-2) suggests that this variant is likely to be tolerated. In summary, the available evidence is currently insufficient to determine the role of this variant in disease. Therefore, it has been classified as a Variant of Uncertain Significance.

NM_032444.4(SLX4):c.704C>G (p.Ala235Gly)

Gene: SLX4 (SLX4 structure-specific endonuclease subunit; minus strand). Cytogenetic location: 16p13.3.
Variant type: single nucleotide variant.
Coding change: c.704C>G on transcript NM_032444.4 (MANE Select); coding-DNA position 704, C replaced by G.
Protein change: p.Ala235Gly; replaces alanine 235 with glycine.
Molecular consequence: missense variant.
Genome position (GRCh38, 1-based): chr16:3,606,530, G>C on the plus strand (C>G on the coding strand, the complement: SLX4 is on the minus strand). VCF-style: chr16-3606530-G-C. GRCh37 (hg19) VCF-style: chr16-3656531-G-C.
Other names: short protein forms A235G.
Identifiers: ClinVar variation 839445 (VCV000839445.9), dbSNP rs2040784637, ClinGen allele CA394533202.